The following is an entry in ClinVar:

NM_001379200.1(TBX1):c.238C>G (p.Pro80Ala)

Gene: TBX1 (T-box transcription factor 1; plus strand). Cytogenetic location: 22q11.21.
Variant type: single nucleotide variant.
Coding change: c.238C>G on transcript NM_001379200.1 (MANE Select); coding-DNA position 238, C replaced by G.
Protein change: p.Pro80Ala; replaces proline 80 with alanine.
Molecular consequence: missense variant.
Genome position (GRCh38, 1-based): chr22:19,761,081, C>G. VCF-style: chr22-19761081-C-G. GRCh37 (hg19) VCF-style: chr22-19748604-C-G.
Other names: c.211C>G, p.Pro71Ala (NM_005992.1, NM_080646.2, NM_080647.1); short protein forms P71A, P80A.
Identifiers: ClinVar variation 518862 (VCV000518862.20), dbSNP rs952890575, ClinGen allele CA322052012.

ClinVar aggregate classification (germline): Conflicting classifications of pathogenicity. Review status: criteria provided, conflicting classifications (1 of 4 stars). 5 submissions from 5 submitters: Uncertain significance (1); Likely benign (3). 1 of the submissions does not count toward it. Last evaluated 2025-12-28.

Conditions:
DiGeorge syndrome. Also called: Catch22; THIRD AND FOURTH PHARYNGEAL POUCH SYNDROME. Identifiers: Orphanet 567, MedGen C0012236, MONDO:0008564, OMIM 188400.
Cardiovascular phenotype. Identifiers: MedGen CN230736.
TBX1-related disorder. Also called: TBX1-related condition; TBX1-Related Disorders.

Allele frequency attached by ClinVar (database versions not stated): 1000 Genomes Project 30x 0.00031; gnomAD 0.00052 and 0.00059; TOPMed 0.00070.

Submissions (5):

Labcorp Genetics (formerly Invitae), Labcorp
Classification: Likely benign for DiGeorge syndrome. Last evaluated: 2025-12-28. Review status: criteria provided, single submitter. Criteria: Invitae Variant Classification Sherloc (09022015). Collection method: clinical testing. Allele origin: germline.

Ambry Genetics
Classification: Uncertain significance for Cardiovascular phenotype. Last evaluated: 2025-01-09. Review status: criteria provided, single submitter. Criteria: Ambry Variant Classification Scheme 2023. Collection method: clinical testing. Allele origin: germline.

Blueprint Genetics
Classification: Likely benign. Last evaluated: 2022-12-26. Review status: criteria provided, single submitter. Criteria: ACMG Guidelines, 2015. Collection method: clinical testing. Allele origin: germline.

GeneDx
Classification: Likely benign. Last evaluated: 2021-05-24. Review status: criteria provided, single submitter. Criteria: GeneDx Variant Classification Process June 2021. Collection method: clinical testing. Allele origin: germline. Affected: yes.
Comment: In silico analysis, which includes protein predictors and evolutionary conservation, supports that this variant does not alter protein structure/function; Has not been previously published as pathogenic or benign to our knowledge

PreventionGenetics, part of Exact Sciences
Classification: Likely benign for TBX1-related condition. Last evaluated: 2023-06-16. Review status: no assertion criteria provided. Collection method: clinical testing. Allele origin: germline. Not counted in ClinVar's aggregate classification.
Comment: This variant is classified as likely benign based on ACMG/AMP sequence variant interpretation guidelines (Richards et al. 2015 PMID: 25741868, with internal and published modifications).